The following is an entry in ClinVar:

NM_000059.4(BRCA2):c.2191G>C (p.Glu731Gln)

Gene: BRCA2 (BRCA2 DNA repair associated; plus strand). Cytogenetic location: 13q13.1.
Variant type: single nucleotide variant.
Coding change: c.2191G>C on transcript NM_000059.4 (MANE Select); coding-DNA position 2191, G replaced by C.
Protein change: p.Glu731Gln; replaces glutamic acid 731 with glutamine.
Molecular consequence: missense variant.
Genome position (GRCh38, 1-based): chr13:32,336,546, G>C. VCF-style: chr13-32336546-G-C. GRCh37 (hg19) VCF-style: chr13-32910683-G-C.
Other names: short protein forms E731Q.
Identifiers: ClinVar variation 1521348 (VCV001521348.7), dbSNP rs2137484084, ClinGen allele CA387770434.

ClinVar aggregate classification (germline): Conflicting classifications of pathogenicity. Review status: criteria provided, conflicting classifications (1 of 4 stars). 2 submissions from 2 submitters: Uncertain significance (1); Likely benign (1). Last evaluated 2023-03-23.

Conditions:
Hereditary cancer-predisposing syndrome. Also called: Hereditary neoplastic syndrome; Hereditary Cancer Syndrome; Tumor predisposition; Neoplastic Syndromes, Hereditary. Identifiers: Orphanet 140162, MedGen C0027672, MeSH D009386, MONDO:0015356.
Hereditary breast ovarian cancer syndrome. Also called: Hereditary breast and ovarian cancer syndrome; Hereditary breast and/or ovarian cancer syndrome; BRCA1- and BRCA2-Associated Hereditary Breast and Ovarian Cancer; Hereditary breast and ovarian cancer syndrome (HBOC); Breast and ovarian cancer; Hereditary breast and ovarian cancer. Identifiers: Orphanet 145, MedGen C0677776, MeSH D061325, MONDO:0003582. Disease mechanism: loss of function.

Submissions (2):

University of Washington Department of Laboratory Medicine, University of Washington
Classification: Likely benign for Hereditary cancer-predisposing syndrome. Last evaluated: 2023-03-23. Review status: criteria provided, single submitter. Criteria: Dines et al. (Genet Med. 2020). Collection method: curation. Allele origin: germline.
Comment: Missense variant in a coldspot region where missense variants are very unlikely to be pathogenic (PMID:31911673).

BRCA2 exon 11 coldspot. Reclassification based on statistical prior probability.

Labcorp Genetics (formerly Invitae), Labcorp
Classification: Uncertain significance for Hereditary breast ovarian cancer syndrome. Last evaluated: 2021-09-25. Review status: criteria provided, single submitter. Criteria: Invitae Variant Classification Sherloc (09022015). Collection method: clinical testing. Allele origin: germline.
Comment: In summary, the available evidence is currently insufficient to determine the role of this variant in disease. Therefore, it has been classified as a Variant of Uncertain Significance. Advanced modeling of protein sequence and biophysical properties (such as structural, functional, and spatial information, amino acid conservation, physicochemical variation, residue mobility, and thermodynamic stability) performed at Invitae indicates that this missense variant is not expected to disrupt BRCA2 protein function. This variant has not been reported in the literature in individuals affected with BRCA2-related conditions. This variant is not present in population databases (ExAC no frequency). This sequence change replaces glutamic acid with glutamine at codon 731 of the BRCA2 protein (p.Glu731Gln). The glutamic acid residue is highly conserved and there is a small physicochemical difference between glutamic acid and glutamine.